The following is an entry in ClinVar:

ClinVar aggregate classification (germline): Uncertain significance. Review status: criteria provided, multiple submitters, no conflicts (2 of 4 stars). 2 submissions from 2 submitters: Uncertain significance (2). Last evaluated 2025-01-20.

Conditions:
Long QT syndrome (LQTS). Identifiers: MedGen C0023976, MeSH D008133, MONDO:0002442. Disease mechanism: loss of function. Inheritance: Various modes of inheritance.
Long QT syndrome 11 (LQT11). Identifiers: Orphanet 101016, Orphanet 768, MedGen C2678483, MONDO:0012738, OMIM 611820.

Allele frequency attached by ClinVar (database versions not stated): TOPMed below 0.00001.

Submissions (2):

Labcorp Genetics (formerly Invitae), Labcorp
Classification: Uncertain significance for Long QT syndrome. Last evaluated: 2025-01-20. Review status: criteria provided, single submitter. Criteria: Invitae Variant Classification Sherloc (09022015). Collection method: clinical testing. Allele origin: germline.
Comment: This sequence change replaces valine, which is neutral and non-polar, with alanine, which is neutral and non-polar, at codon 1038 of the AKAP9 protein (p.Val1038Ala). This variant is not present in population databases (gnomAD no frequency). This variant has not been reported in the literature in individuals affected with AKAP9-related conditions. ClinVar contains an entry for this variant (Variation ID: 811185). An algorithm developed to predict the effect of missense changes on protein structure and function (PolyPhen-2) suggests that this variant is likely to be tolerated. In summary, the available evidence is currently insufficient to determine the role of this variant in disease. Therefore, it has been classified as a Variant of Uncertain Significance.

ARUP Laboratories, Molecular Genetics and Genomics, ARUP Laboratories
Classification: Uncertain significance for Long QT syndrome 11. Last evaluated: 2018-11-11. Review status: criteria provided, single submitter. Criteria: ARUP Molecular Germline Variant Investigation Process. Collection method: clinical testing. Allele origin: germline.
Comment: The AKAP9 c.3113T>C; p.Val1038Ala variant, to our knowledge, is not reported in the medical literature or gene specific databases. This variant is also absent from general population databases (1000 Genomes Project, Exome Variant Server, and Genome Aggregation Database), indicating it is not a common polymorphism. The valine at codon 1038 is weakly conserved, and computational analyses (SIFT, PolyPhen-2) predict that this variant is tolerated. Due to limited information, the clinical significance of the p.Val1038Ala variant is uncertain at this time.

NM_005751.5(AKAP9):c.3113T>C (p.Val1038Ala)

Gene: AKAP9 (A-kinase anchoring protein 9; plus strand). Cytogenetic location: 7q21.2.
Variant type: single nucleotide variant.
Coding change: c.3113T>C on transcript NM_005751.5 (MANE Select); coding-DNA position 3113, T replaced by C.
Protein change: p.Val1038Ala; replaces valine 1038 with alanine.
Molecular consequence: missense variant.
Genome position (GRCh38, 1-based): chr7:92,003,030, T>C. VCF-style: chr7-92003030-T-C. GRCh37 (hg19) VCF-style: chr7-91632344-T-C.
Other names: c.3113T>C, p.Val1038Ala (NM_147185.3); short protein forms V1038A.
Identifiers: ClinVar variation 811185 (VCV000811185.10), dbSNP rs1584047508, ClinGen allele CA368125663.